The following is an entry in ClinVar:

NM_000051.4(ATM):c.491G>A (p.Trp164Ter)

Gene: ATM (ATM serine/threonine kinase; plus strand). Cytogenetic location: 11q22.3.
Variant type: single nucleotide variant.
Coding change: c.491G>A on transcript NM_000051.4 (MANE Select); coding-DNA position 491, G replaced by A.
Protein change: p.Trp164Ter; replaces tryptophan 164 with a stop codon.
Molecular consequence: nonsense.
Genome position (GRCh38, 1-based): chr11:108,235,829, G>A. VCF-style: chr11-108235829-G-A. GRCh37 (hg19) VCF-style: chr11-108106556-G-A.
Other names: c.491G>A, p.Trp164Ter (NM_001351834.2); short protein forms W164*.
Identifiers: ClinVar variation 2045166 (VCV002045166.6), dbSNP rs2135126288, ClinGen allele CA382525751.

ClinVar aggregate classification (germline): Pathogenic. Review status: criteria provided, multiple submitters, no conflicts (2 of 4 stars). 3 submissions from 3 submitters: Pathogenic (3). Last evaluated 2025-06-06.

Conditions:
Hereditary cancer-predisposing syndrome. Also called: Hereditary Cancer Syndrome; Tumor predisposition; Neoplastic Syndromes, Hereditary; Hereditary neoplastic syndrome. Identifiers: Orphanet 140162, MedGen C0027672, MeSH D009386, MONDO:0015356.
Familial cancer of breast. Also called: Hereditary breast cancer; hereditary breast carcinoma; BREAST CANCER, FAMILIAL. Identifiers: Orphanet 227535, MedGen C0346153, MONDO:0016419, OMIM 114480. Disease mechanism: loss of function.
Ataxia-telangiectasia syndrome (AT). Also called: LOUIS-BAR SYNDROME; AT, COMPLEMENTATION GROUP C; Ataxia-telangiectasia, complementation group E; Ataxia telangiectasia (A-T); ATAXIA-TELANGIECTASIA, COMPLEMENTATION GROUP A; ATAXIA-TELANGIECTASIA, FRESNO VARIANT. Identifiers: Orphanet 100, MedGen C0004135, MONDO:0008840, OMIM 208900.

gnomAD v4.1: 1 of 1,613,738 alleles (0.000062%); no homozygotes.

Submissions (3):

Ambry Genetics
Classification: Pathogenic for Hereditary cancer-predisposing syndrome. Last evaluated: 2025-06-06. Review status: criteria provided, single submitter. Criteria: Ambry Variant Classification Scheme 2023. Collection method: clinical testing. Allele origin: germline.
Comment: The p.W164* pathogenic mutation (also known as c.491G>A), located in coding exon 4 of the ATM gene, results from a G to A substitution at nucleotide position 491. This changes the amino acid from a tryptophan to a stop codon within coding exon 4. This variant is considered to be rare based on population cohorts in the Genome Aggregation Database (gnomAD). This alteration is expected to result in loss of function by premature protein truncation or nonsense-mediated mRNA decay. As such, this alteration is interpreted as a disease-causing mutation.

Myriad Genetics, Inc.
Classification: Pathogenic for Familial cancer of breast. Last evaluated: 2024-01-09. Review status: criteria provided, single submitter. Criteria: Myriad Autosomal Dominant, Autosomal Recessive and X-Linked Classification Criteria (2023). Collection method: clinical testing. Allele origin: unknown.
Comment: This variant is considered pathogenic. This variant creates a termination codon and is predicted to result in premature protein truncation.

Labcorp Genetics (formerly Invitae), Labcorp
Classification: Pathogenic for Ataxia-telangiectasia syndrome. Last evaluated: 2021-12-17. Review status: criteria provided, single submitter. Criteria: Invitae Variant Classification Sherloc (09022015). Collection method: clinical testing. Allele origin: germline.
Comment: This sequence change creates a premature translational stop signal (p.Trp164*) in the ATM gene. It is expected to result in an absent or disrupted protein product. Loss-of-function variants in ATM are known to be pathogenic (PMID: 23807571, 25614872). This variant is not present in population databases (gnomAD no frequency). This variant has not been reported in the literature in individuals affected with ATM-related conditions. For these reasons, this variant has been classified as Pathogenic.

Literature cited by the submitters: PubMed 23807571 (cited by Labcorp Genetics (formerly Invitae), Labcorp); PubMed 25614872 (cited by Labcorp Genetics (formerly Invitae), Labcorp).